The following is an entry in ClinVar:

NM_002851.3(PTPRZ1):c.3210C>G (p.Val1070=)

Gene: PTPRZ1 (protein tyrosine phosphatase receptor type Z1; plus strand). Cytogenetic location: 7q31.32.
Variant type: single nucleotide variant.
Coding change: c.3210C>G on transcript NM_002851.3 (MANE Select); coding-DNA position 3210, C replaced by G.
Protein change: p.Val1070=; no amino-acid change (valine 1070 retained).
Molecular consequence: synonymous variant. On other transcripts: intron variant (2).
Genome position (GRCh38, 1-based): chr7:122,012,256, C>G. VCF-style: chr7-122012256-C-G. GRCh37 (hg19) VCF-style: chr7-121652310-C-G.
Other names: c.3210C>G, p.Val1070= (NM_001369395.1); c.3168C>G, p.Val1056= (NM_001369396.1); c.2263+947C>G (NM_001206838.2, NM_001206839.2).
Identifiers: ClinVar variation 2657968 (VCV002657968.24), dbSNP rs2485785201, ClinGen allele CA457451793.

ClinVar aggregate classification (germline): Likely benign (1 of 4 stars; one submission).

Submission:

CeGaT Center for Human Genetics Tuebingen
Classification: Likely benign. Last evaluated: 2022-08-01. Review status: criteria provided, single submitter. Criteria: CeGaT Center For Human Genetics Tuebingen Variant Classification Criteria Version 2. Collection method: clinical testing. Allele origin: germline. Affected: yes. Observed: 1 variant allele.
Comment: PTPRZ1: PM2:Supporting, BP4, BP7